The following is an entry in ClinVar:

ClinVar aggregate classification (germline): Uncertain significance (1 of 4 stars; one submission).

Conditions:
Autosomal recessive polycystic kidney disease (ARPKD). Also called: AR polycystic kidney disease. Identifiers: Orphanet 731, Orphanet 8378, MedGen C0085548, MeSH D017044, MONDO:0009889.

Submission:

Labcorp Genetics (formerly Invitae), Labcorp
Classification: Uncertain significance for Autosomal recessive polycystic kidney disease. Last evaluated: 2025-03-31. Review status: criteria provided, single submitter. Criteria: Invitae Variant Classification Sherloc (09022015). Collection method: clinical testing. Allele origin: germline.
Comment: This sequence change replaces alanine, which is neutral and non-polar, with valine, which is neutral and non-polar, at codon 876 of the PKHD1 protein (p.Ala876Val). This variant is not present in population databases (gnomAD no frequency). This variant has not been reported in the literature in individuals affected with PKHD1-related conditions. ClinVar contains an entry for this variant (Variation ID: 2838269). Invitae Evidence Modeling of protein sequence and biophysical properties (such as structural, functional, and spatial information, amino acid conservation, physicochemical variation, residue mobility, and thermodynamic stability) indicates that this missense variant is not expected to disrupt PKHD1 protein function with a negative predictive value of 95%. Algorithms developed to predict the effect of sequence changes on RNA splicing suggest that this variant may create or strengthen a splice site. In summary, the available evidence is currently insufficient to determine the role of this variant in disease. Therefore, it has been classified as a Variant of Uncertain Significance.

NM_138694.4(PKHD1):c.2627C>T (p.Ala876Val)

Gene: PKHD1 (PKHD1 ciliary IPT domain containing fibrocystin/polyductin; minus strand). Cytogenetic location: 6p12.2.
Variant type: single nucleotide variant.
Coding change: c.2627C>T on transcript NM_138694.4 (MANE Select); coding-DNA position 2627, C replaced by T.
Protein change: p.Ala876Val; replaces alanine 876 with valine.
Molecular consequence: missense variant.
Genome position (GRCh38, 1-based): chr6:52,045,054, G>A on the plus strand (C>T on the coding strand, the complement: PKHD1 is on the minus strand). VCF-style: chr6-52045054-G-A. GRCh37 (hg19) VCF-style: chr6-51909852-G-A.
Other names: c.2627C>T, p.Ala876Val (NM_170724.3); short protein forms A876V.
Identifiers: ClinVar variation 2838269 (VCV002838269.3), dbSNP rs2533097074, ClinGen allele CA364442924.
Genomic context (GRCh38, chr6:52,045,054, plus strand): 5'-ATGTCTCCAAATATGGGTCCAAGAAAAACTCCACCATCATATACCACACGCGTGGCTGCA[G>A]CAGGATTCACTCCAGTAAGGTTTTCATCAGAGACCTGAGATGGTTACATTTCTGGTAAAT-3'
Protein context (NP_619639.3, residues 866-886): SDENLTGVNP[Ala876Val]AATRVVYDGG